The following is an entry in ClinVar:

NM_000059.4(BRCA2):c.1729G>T (p.Ala577Ser)

Gene: BRCA2 (BRCA2 DNA repair associated; plus strand). Cytogenetic location: 13q13.1.
Variant type: single nucleotide variant.
Coding change: c.1729G>T on transcript NM_000059.4 (MANE Select); coding-DNA position 1729, G replaced by T.
Protein change: p.Ala577Ser; replaces alanine 577 with serine.
Molecular consequence: missense variant. On other transcripts: non-coding transcript variant (1), intron variant (1).
Genome position (GRCh38, 1-based): chr13:32,333,207, G>T. VCF-style: chr13-32333207-G-T. GRCh37 (hg19) VCF-style: chr13-32907344-G-T.
Other names: c.1729G>T, p.Ala577Ser (NM_001406719.1, NM_001406720.1, NM_001406721.1 and 1 more transcripts); c.424+2177G>T (NM_001406722.1); short protein forms A577S.
Identifiers: ClinVar variation 4215921 (VCV004215921.1).

ClinVar aggregate classification (germline): Uncertain significance (1 of 4 stars; one submission).

Conditions:
Hereditary cancer-predisposing syndrome. Also called: Hereditary Cancer Syndrome; Hereditary neoplastic syndrome; Neoplastic Syndromes, Hereditary; Tumor predisposition. Identifiers: Orphanet 140162, MedGen C0027672, MeSH D009386, MONDO:0015356.

gnomAD v4.1: 1 of 1,613,548 alleles (0.000062%); highest among the groups gnomAD compares: Non-Finnish European, 0.000085%; no homozygotes.

Submission:

Ambry Genetics
Classification: Uncertain significance for Hereditary cancer-predisposing syndrome. Last evaluated: 2025-08-22. Review status: criteria provided, single submitter. Criteria: Ambry Variant Classification Scheme 2023. Collection method: clinical testing. Allele origin: germline.
Comment: The p.A577S variant (also known as c.1729G>T), located in coding exon 9 of the BRCA2 gene, results from a G to T substitution at nucleotide position 1729. The alanine at codon 577 is replaced by serine, an amino acid with similar properties. This amino acid position is conserved. In addition, this alteration is predicted to be tolerated by in silico analysis. Based on the available evidence, the clinical significance of this variant remains unclear.